The following is an entry in ClinVar:

ClinVar aggregate classification (germline): Uncertain significance (1 of 4 stars; one submission).

Allele frequency attached by ClinVar (database versions not stated): gnomAD exomes below 0.00001; TOPMed below 0.00001.
gnomAD v4.1: 1 of 1,611,774 alleles (0.000062%); highest among the groups gnomAD compares: Non-Finnish European, 0.000085%; no homozygotes.

Submission:

Labcorp Genetics (formerly Invitae), Labcorp
Classification: Uncertain significance. Last evaluated: 2022-08-20. Review status: criteria provided, single submitter. Criteria: Invitae Variant Classification Sherloc (09022015). Collection method: clinical testing. Allele origin: germline.
Comment: This variant has not been reported in the literature in individuals affected with ADAMTS10-related conditions. In summary, the available evidence is currently insufficient to determine the role of this variant in disease. Therefore, it has been classified as a Variant of Uncertain Significance. Algorithms developed to predict the effect of missense changes on protein structure and function are either unavailable or do not agree on the potential impact of this missense change (SIFT: "Deleterious"; PolyPhen-2: "Probably Damaging"; Align-GVGD: "Class C0"). This variant is not present in population databases (gnomAD no frequency). This sequence change replaces glycine, which is neutral and non-polar, with serine, which is neutral and polar, at codon 903 of the ADAMTS10 protein (p.Gly903Ser).

NM_030957.4(ADAMTS10):c.2707G>A (p.Gly903Ser)

Gene: ADAMTS10 (ADAM metallopeptidase with thrombospondin type 1 motif 10; minus strand). Cytogenetic location: 19p13.2.
Variant type: single nucleotide variant.
Coding change: c.2707G>A on transcript NM_030957.4 (MANE Select); coding-DNA position 2707, G replaced by A.
Protein change: p.Gly903Ser; replaces glycine 903 with serine.
Molecular consequence: missense variant.
Genome position (GRCh38, 1-based): chr19:8,585,614, C>T on the plus strand (G>A on the coding strand, the complement: ADAMTS10 is on the minus strand). VCF-style: chr19-8585614-C-T. GRCh37 (hg19) VCF-style: chr19-8650498-C-T.
Other names: c.1168G>A, p.Gly390Ser (NM_001282352.2); short protein forms G390S, G903S.
Identifiers: ClinVar variation 1717083 (VCV001717083.5), dbSNP rs2042417635, ClinGen allele CA403749160.